The following is an entry in ClinVar:

ClinVar aggregate classification (germline): Uncertain significance (1 of 4 stars; one submission).

Conditions:
Arrhythmogenic cardiomyopathy with wooly hair and keratoderma. Also called: PALMOPLANTAR KERATODERMA WITH LEFT VENTRICULAR CARDIOMYOPATHY AND WOOLLY HAIR; Carvajal syndrome; Dilated cardiomyopathy with woolly hair and keratoderma; Arrhythmogenic cardiomyopathy with woolly hair and keratoderma. Identifiers: Orphanet 65282, MedGen C1854063, MONDO:0011581, OMIM 605676.

Allele frequency attached by ClinVar (database versions not stated): gnomAD exomes 0.00001.

Submission:

All of Us Research Program, National Institutes of Health
Classification: Uncertain significance for Arrhythmogenic cardiomyopathy with wooly hair and keratoderma. Last evaluated: 2023-06-08. Review status: criteria provided, single submitter. Criteria: ACMG Guidelines, 2015. Collection method: clinical testing. Allele origin: germline. Inheritance: Autosomal dominant inheritance. Observed: 1 variant allele, 1 heterozygote.
Comment: This missense variant replaces phenylalanine with tyrosine at codon 2493 of the DSP protein. Computational prediction suggests that this variant may not impact protein structure and function (internally defined REVEL score threshold <= 0.5, PMID: 27666373). To our knowledge, functional studies have not been reported for this variant. This variant has not been reported in individuals affected with DSP-related disorders in the literature. This variant has not been identified in the general population by the Genome Aggregation Database (gnomAD). The available evidence is insufficient to determine the role of this variant in disease conclusively. Therefore, this variant is classified as a Variant of Uncertain Significance.

This study involves interpretation of variants in research participants for the purpose of population health screening. Participant phenotype was not available at the time of variant classification. Additional details can be found in publication PMID: 35346344, PMCID: PMC8962531

NM_004415.4(DSP):c.7478T>A (p.Phe2493Tyr)

Gene: DSP (desmoplakin; plus strand). Cytogenetic location: 6p24.3.
Variant type: single nucleotide variant.
Coding change: c.7478T>A on transcript NM_004415.4 (MANE Select); coding-DNA position 7478, T replaced by A.
Protein change: p.Phe2493Tyr; replaces phenylalanine 2493 with tyrosine.
Molecular consequence: missense variant.
Genome position (GRCh38, 1-based): chr6:7,584,740, T>A. VCF-style: chr6-7584740-T-A. GRCh37 (hg19) VCF-style: chr6-7584973-T-A.
Other names: c.5681T>A, p.Phe1894Tyr (NM_001008844.3); c.6149T>A, p.Phe2050Tyr (NM_001319034.2); short protein forms F1894Y, F2050Y, F2493Y.
Identifiers: ClinVar variation 3071649 (VCV003071649.1), dbSNP rs2533946031, ClinGen allele CA362693097.